The following is an entry in ClinVar:

NM_001184.4(ATR):c.281G>C (p.Gly94Ala)

Gene: ATR (ATR checkpoint kinase; minus strand). Cytogenetic location: 3q23.
Variant type: single nucleotide variant.
Coding change: c.281G>C on transcript NM_001184.4 (MANE Select); coding-DNA position 281, G replaced by C.
Protein change: p.Gly94Ala; replaces glycine 94 with alanine.
Molecular consequence: missense variant.
Genome position (GRCh38, 1-based): chr3:142,566,132, C>G on the plus strand (G>C on the coding strand, the complement: ATR is on the minus strand). VCF-style: chr3-142566132-C-G. GRCh37 (hg19) VCF-style: chr3-142284974-C-G.
Other names: c.281G>C, p.Gly94Ala (NM_001354579.2); short protein forms G94A.
Identifiers: ClinVar variation 1796431 (VCV001796431.3), dbSNP rs1335528590, ClinGen allele CA354828271.

ClinVar aggregate classification (germline): Uncertain significance (1 of 4 stars; one submission).

Conditions:
Inborn genetic diseases. Identifiers: MedGen C0950123, MeSH D030342.

Allele frequency attached by ClinVar (database versions not stated): gnomAD exomes below 0.00001.
gnomAD v4.1: 8 of 1,614,122 alleles (0.0005%); highest among the groups gnomAD compares: Non-Finnish European, 0.00059%; no homozygotes.

Submission:

Ambry Genetics
Classification: Uncertain significance for Inborn genetic diseases. Last evaluated: 2023-08-02. Review status: criteria provided, single submitter. Criteria: Ambry Variant Classification Scheme 2023. Collection method: clinical testing. Allele origin: germline.
Comment: The p.G94A variant (also known as c.281G>C), located in coding exon 3 of the ATR gene, results from a G to C substitution at nucleotide position 281. The glycine at codon 94 is replaced by alanine, an amino acid with similar properties. This amino acid position is conserved. In addition, this alteration is predicted to be tolerated by in silico analysis. Since supporting evidence is limited at this time, the clinical significance of this alteration remains unclear.